The following is an entry in ClinVar:

NM_032043.3(BRIP1):c.2422A>G (p.Arg808Gly)

Gene: BRIP1 (BRCA1 interacting DNA helicase 1; minus strand). Cytogenetic location: 17q23.2.
Variant type: single nucleotide variant.
Coding change: c.2422A>G on transcript NM_032043.3 (MANE Select); coding-DNA position 2422, A replaced by G.
Protein change: p.Arg808Gly; replaces arginine 808 with glycine.
Molecular consequence: missense variant.
Genome position (GRCh38, 1-based): chr17:61,716,021, T>C on the plus strand (A>G on the coding strand, the complement: BRIP1 is on the minus strand). VCF-style: chr17-61716021-T-C. GRCh37 (hg19) VCF-style: chr17-59793382-T-C.
Other names: p.R808G:AGA>GGA; short protein forms R808G.
Identifiers: ClinVar variation 128171 (VCV000128171.17), dbSNP rs587780237, ClinGen allele CA288550.

ClinVar aggregate classification (germline): Uncertain significance. Review status: criteria provided, multiple submitters, no conflicts (2 of 4 stars). 4 submissions from 4 submitters: Uncertain significance (4). Last evaluated 2025-12-20.

Conditions:
Familial cancer of breast. Also called: BREAST CANCER, FAMILIAL; Hereditary breast cancer; hereditary breast carcinoma. Identifiers: Orphanet 227535, MedGen C0346153, MONDO:0016419, OMIM 114480. Disease mechanism: loss of function.
Fanconi anemia complementation group J. Also called: BRIP1-Related Fanconi Anemia. Identifiers: Orphanet 84, MedGen C1836860, MONDO:0012187, OMIM 609054.
Hereditary cancer-predisposing syndrome. Also called: Tumor predisposition; Hereditary Cancer Syndrome; Neoplastic Syndromes, Hereditary; Hereditary neoplastic syndrome. Identifiers: Orphanet 140162, MedGen C0027672, MeSH D009386, MONDO:0015356.

Submissions (4):

Labcorp Genetics (formerly Invitae), Labcorp
Classification: Uncertain significance for Familial cancer of breast; Fanconi anemia complementation group J. Last evaluated: 2025-12-20. Review status: criteria provided, single submitter. Criteria: Invitae Variant Classification Sherloc (09022015). Collection method: clinical testing. Allele origin: germline.
Comment: This sequence change replaces arginine, which is basic and polar, with glycine, which is neutral and non-polar, at codon 808 of the BRIP1 protein (p.Arg808Gly). This variant is not present in population databases (gnomAD no frequency). This variant has not been reported in the literature in individuals affected with BRIP1-related conditions. ClinVar contains an entry for this variant (Variation ID: 128171). Invitae Evidence Modeling of protein sequence and biophysical properties (such as structural, functional, and spatial information, amino acid conservation, physicochemical variation, residue mobility, and thermodynamic stability) has been performed for this missense variant. However, the output from this modeling did not meet the statistical confidence thresholds required to predict the impact of this variant on BRIP1 protein function. In summary, the available evidence is currently insufficient to determine the role of this variant in disease. Therefore, it has been classified as a Variant of Uncertain Significance.

GeneDx
Classification: Uncertain significance. Last evaluated: 2025-02-02. Review status: criteria provided, single submitter. Criteria: GeneDx Variant Classification Process June 2021. Collection method: clinical testing. Allele origin: germline. Affected: yes.
Comment: Not observed at significant frequency in large population cohorts (gnomAD); In silico analysis supports that this missense variant has a deleterious effect on protein structure/function; Has not been previously published as pathogenic or benign to our knowledge

Ambry Genetics
Classification: Uncertain significance for Hereditary cancer-predisposing syndrome. Last evaluated: 2023-12-05. Review status: criteria provided, single submitter. Criteria: Ambry Variant Classification Scheme 2023. Collection method: clinical testing. Allele origin: germline.
Comment: The p.R808G variant (also known as c.2422A>G), located in coding exon 16 of the BRIP1 gene, results from an A to G substitution at nucleotide position 2422. The arginine at codon 808 is replaced by glycine, an amino acid with dissimilar properties. This amino acid position is highly conserved in available vertebrate species. In addition, this alteration is predicted to be deleterious by in silico analysis. Since supporting evidence is limited at this time, the clinical significance of this alteration remains unclear.

Baylor Genetics
Classification: Uncertain significance for Familial cancer of breast. Last evaluated: 2023-10-18. Review status: criteria provided, single submitter. Criteria: ACMG Guidelines, 2015. Collection method: clinical testing. Allele origin: unknown.